The following is an entry in ClinVar:

ClinVar aggregate classification (germline): Uncertain significance. Review status: criteria provided, multiple submitters, no conflicts (2 of 4 stars). 3 submissions from 3 submitters: Uncertain significance (3). Last evaluated 2025-09-25.

Allele frequency attached by ClinVar (database versions not stated): ExAC 0.00004.
gnomAD v4.1: 39 of 1,613,984 alleles (0.0024%); highest among the groups gnomAD compares: Middle Eastern, 0.033%; no homozygotes.

Submissions (3):

Labcorp Genetics (formerly Invitae), Labcorp
Classification: Uncertain significance. Last evaluated: 2025-09-25. Review status: criteria provided, single submitter. Criteria: Invitae Variant Classification Sherloc (09022015). Collection method: clinical testing. Allele origin: germline.
Comment: This sequence change replaces glycine, which is neutral and non-polar, with valine, which is neutral and non-polar, at codon 300 of the IL23R protein (p.Gly300Val). This variant is present in population databases (rs755811354, gnomAD 0.006%). This variant has not been reported in the literature in individuals affected with IL23R-related conditions. ClinVar contains an entry for this variant (Variation ID: 1298427). An algorithm developed to predict the effect of missense changes on protein structure and function (PolyPhen-2) suggests that this variant is likely to be tolerated. In summary, the available evidence is currently insufficient to determine the role of this variant in disease. Therefore, it has been classified as a Variant of Uncertain Significance.

CeGaT Center for Human Genetics Tuebingen
Classification: Uncertain significance. Last evaluated: 2025-05-01. Review status: criteria provided, single submitter. Criteria: CeGaT Center For Human Genetics Tuebingen Variant Classification Criteria Version 2. Collection method: clinical testing. Allele origin: germline. Affected: yes. Observed: 2 variant alleles.
Comment: IL23R: PM2, BP4

Breakthrough Genomics
Classification: Uncertain significance. Review status: criteria provided, single submitter. Criteria: ACMG Guidelines, 2015. Collection method: not provided. Allele origin: germline. Inheritance: Unknown mechanism. Affected: yes.

NM_144701.3(IL23R):c.899G>T (p.Gly300Val)

Gene: IL23R (interleukin 23 receptor; plus strand). Cytogenetic location: 1p31.3.
Variant type: single nucleotide variant.
Coding change: c.899G>T on transcript NM_144701.3 (MANE Select); coding-DNA position 899, G replaced by T.
Protein change: p.Gly300Val; replaces glycine 300 with valine.
Molecular consequence: missense variant.
Genome position (GRCh38, 1-based): chr1:67,219,674, G>T. VCF-style: chr1-67219674-G-T. GRCh37 (hg19) VCF-style: chr1-67685357-G-T.
Other names: short protein forms G300V.
Identifiers: ClinVar variation 1298427 (VCV001298427.40), dbSNP rs755811354, ClinGen allele CA899863.